The following is an entry in ClinVar:

ClinVar aggregate classification (germline): Benign (1 of 4 stars; one submission).

Conditions:
Thyroid hormone resistance, generalized, autosomal dominant (GRTHD). Also called: HYPERTHYROXINEMIA, FAMILIAL EUTHYROID, SECONDARY TO PITUITARY AND PERIPHERAL RESISTANCE TO THYROID HORMONES. Identifiers: MedGen C2937288, MONDO:0008569, OMIM 188570.

Allele frequency attached by ClinVar (database versions not stated): gnomAD 0.00184 and 0.00196; 1000 Genomes Project 0.00220; TOPMed 0.00220; 1000 Genomes Project 30x 0.00250.

Submission:

Illumina Laboratory Services, Illumina
Classification: Benign for Thyroid hormone resistance, generalized, autosomal dominant. Last evaluated: 2018-01-13. Review status: criteria provided, single submitter. Criteria: ICSL Variant Classification Criteria 13 December 2019. Collection method: clinical testing. Allele origin: germline.
Comment: This variant was observed in the ICSL laboratory as part of a predisposition screen in an ostensibly healthy population. It had not been previously curated by ICSL or reported in the Human Gene Mutation Database (HGMD: prior to June 1st, 2018), and was therefore a candidate for classification through an automated scoring system. Utilizing variant allele frequency, disease prevalence and penetrance estimates, and inheritance mode, an automated score was calculated to assess if this variant is too frequent to cause the disease. Based on the score and internal cut-off values, a variant classified as benign is not then subjected to further curation. The score for this variant resulted in a classification of benign for this disease.

NM_001354712.2(THRB):c.*2912A>G

Gene: THRB (thyroid hormone receptor beta; minus strand). Cytogenetic location: 3p24.2.
Variant type: single nucleotide variant.
Coding change: c.*2912A>G on transcript NM_001354712.2 (MANE Select); 2912 bases downstream of the stop codon, A replaced by G.
Molecular consequence: 3 prime UTR variant.
Genome position (GRCh38, 1-based): chr3:24,119,972, T>C on the plus strand (A>G on the coding strand, the complement: THRB is on the minus strand). VCF-style: chr3-24119972-T-C. GRCh37 (hg19) VCF-style: chr3-24161463-T-C.
Other names: c.*2912A>G (NM_000461.5, NM_001128176.3, NM_001128177.2 and 8 more transcripts).
Identifiers: ClinVar variation 344583 (VCV000344583.5), dbSNP rs116321631, ClinGen allele CA10616032.
Genomic context (GRCh38, chr3:24,119,972, plus strand): 5'-CCTAAAAGGGAAGTGATTTATAAATACAAATCCCAGCATAATGGGTGTGTTCTCCTCTAC[T>C]GAGACGTCTCCCTGCCGAGGGGGTGGGAGCGCAGGTGTGAAGGGTATCTCCATCAGGTCC-3'